The following is an entry in ClinVar:

NM_000133.4(F9):c.1105C>T (p.Leu369Phe)

Gene: F9 (coagulation factor IX; plus strand). Cytogenetic location: Xq27.1.
Variant type: single nucleotide variant.
Coding change: c.1105C>T on transcript NM_000133.4 (MANE Select); coding-DNA position 1105, C replaced by T.
Protein change: p.Leu369Phe; replaces leucine 369 with phenylalanine.
Molecular consequence: missense variant.
Genome position (GRCh38, 1-based): chrX:139,561,790, C>T. VCF-style: chrX-139561790-C-T. GRCh37 (hg19) VCF-style: chrX-138643949-C-T.
Other names: NM_000133.4(F9):c.1105C>T; p.Leu369Phe; c.1105C>T (NM_000133.3); c.991C>T, p.Leu331Phe (NM_001313913.2); short protein forms L331F, L369F.
Identifiers: ClinVar variation 1512896 (VCV001512896.9), dbSNP rs2148367939, ClinGen allele CA414445918.

ClinVar aggregate classification (germline): Uncertain significance. Review status: reviewed by expert panel (3 of 4 stars). 3 submissions from 3 submitters: Uncertain significance (1). 2 of the submissions do not count toward it. Last evaluated 2025-08-15.

Conditions:
Thrombophilia, X-linked, due to factor 9 defect. Identifiers: MedGen C2749016, MONDO:0010432, OMIM 300807.
Hereditary factor IX deficiency disease (HEMB). Also called: Christmas Disease; F9 DEFICIENCY; FACTOR IX DEFICIENCY; PLASMA THROMBOPLASTIN COMPONENT DEFICIENCY; Hemophilia B. Identifiers: Orphanet 98879, MedGen C0008533, MeSH D002836, MONDO:0010604, OMIM 306900.

Submissions (3):

ClinGen Coagulation Factor Deficiency Variant Curation Expert Panel, Clingen
Classification: Uncertain significance for Hereditary factor IX deficiency disease. Last evaluated: 2025-08-15. Review status: reviewed by expert panel. Criteria: ClinGen CoagFactor ACMG Specifications F9 V1.0.0. Collection method: curation. Allele origin: germline. Inheritance: X-linked inheritance.
Comment: The F9 c.1105C>T, p.Leu369Phe variant is absent from gnomAD v2.1.1 and v3.1.2 (PM2_Supporting). The computational predictor REVEL gives a score of 0.928, which is above the threshold of 0.6, evidence that correlates with impact to F9 function (PP3). This variant has been reported in 2 probands meeting phenotypic criteria for hemophilia B (PS4_Moderate; PMID: 15921378, PMID: 25929987). There is another variant at this position (p.Leu369Pro) that has been curated by the Coagulation Factor Deficiency VCEP to be likely pathogenic, meeting PM5_Supporting. In summary, this variant meets the criteria to be classified as variant of uncertain significance for hemophilia B based on the ACMG/AMP criteria applied, as specified by the ClinGen Coagulation Factor Deficiency VCEP (version 1.0.0, released 10/5/2023): PS4_Moderate, PM2_Supporting, PP3, PM5_Supporting.

Women's Health and Genetics/Laboratory Corporation of America, LabCorp
Classification: Likely pathogenic for Hereditary factor IX deficiency disease. Last evaluated: 2025-07-25. Review status: criteria provided, single submitter. Criteria: LabCorp Variant Classification Summary - May 2015. Collection method: clinical testing. Allele origin: germline. Not counted in ClinVar's aggregate classification.
Comment: Variant summary: F9 c.1105C>T (p.Leu369Phe) results in a non-conservative amino acid change located in the serine proteases, trypsin domain (IPR001254) of the encoded protein sequence. Algorithms developed to predict the effect of missense changes on protein structure and function all suggest that this variant is likely to be disruptive. The variant was absent in 183203 control chromosomes. c.1105C>T has been observed in individual(s) affected with Factor IX Deficiency (Hemophilia B) (e.g. Belvini_2005, Zhou_2015). These data indicate that the variant may be associated with disease. To our knowledge, no experimental evidence demonstrating an impact on protein function has been reported. Additionally, at least one variant at the Leu369 residue has been reported Likely Pathogenic in ClinVar (p.Leu369Pro), suggesting that this codon is functionally important. The following publications have been ascertained in the context of this evaluation (PMID: 15921378, 25929987). ClinVar contains an entry for this variant (Variation ID: 1512896). Based on the evidence outlined above, the variant was classified as likely pathogenic.

Labcorp Genetics (formerly Invitae), Labcorp
Classification: Likely pathogenic for Thrombophilia, X-linked, due to factor 9 defect; Hereditary factor IX deficiency disease. Last evaluated: 2021-04-20. Review status: criteria provided, single submitter. Criteria: Invitae Variant Classification Sherloc (09022015). Collection method: clinical testing. Allele origin: germline. Not counted in ClinVar's aggregate classification.
Comment: Advanced modeling of protein sequence and biophysical properties (such as structural, functional, and spatial information, amino acid conservation, physicochemical variation, residue mobility, and thermodynamic stability) performed at Invitae indicates that this missense variant is expected to disrupt F9 protein function. This variant has been observed in individual(s) with hemophilia B (PMID: 15921378). It is also known as p.Leu323Phe. This variant is not present in population databases (ExAC no frequency). This sequence change replaces leucine with phenylalanine at codon 369 of the F9 protein (p.Leu369Phe). The leucine residue is highly conserved and there is a small physicochemical difference between leucine and phenylalanine. In summary, the currently available evidence indicates that the variant is pathogenic, but additional data are needed to prove that conclusively. Therefore, this variant has been classified as Likely Pathogenic. This variant disrupts the p.Leu369 amino acid residue in F9. Other variant(s) that disrupt this residue have been determined to be pathogenic (PMID: 19699296, Invitae). This suggests that this residue is clinically significant, and that variants that disrupt this residue are likely to be disease-causing.

Literature cited by the submitters: PubMed 15921378 (cited by Women's Health and Genetics/Laboratory Corporation of America, LabCorp and Labcorp Genetics (formerly Invitae), Labcorp); PubMed 25929987 (cited by Women's Health and Genetics/Laboratory Corporation of America, LabCorp); PubMed 19699296 (cited by Labcorp Genetics (formerly Invitae), Labcorp).